The following is an entry in ClinVar:

NM_001385875.1(ZFYVE27):c.244G>A (p.Val82Ile)

Gene: ZFYVE27 (zinc finger FYVE-type containing 27; plus strand). Cytogenetic location: 10q24.2.
Variant type: single nucleotide variant.
Coding change: c.244G>A on transcript NM_001385875.1 (MANE Select); coding-DNA position 244, G replaced by A.
Protein change: p.Val82Ile; replaces valine 82 with isoleucine.
Molecular consequence: missense variant. On other transcripts: non-coding transcript variant (13), intron variant (21).
Genome position (GRCh38, 1-based): chr10:97,743,140, G>A. VCF-style: chr10-97743140-G-A. GRCh37 (hg19) VCF-style: chr10-99502897-G-A.
Other names: c.244G>A, p.Val82Ile (NM_001002261.4, NM_001002262.4, NM_001385871.1 and 12 more transcripts); c.40G>A, p.Val14Ile (NM_001385890.1, NM_001385891.1, NM_001385892.1 and 6 more transcripts); c.32-1589G>A (NM_001385903.1, NM_001385899.1, NM_001385904.1 and 3 more transcripts); c.197+4466G>A (NM_001385902.1, NM_001385908.1, NM_001385901.1 and 5 more transcripts); c.173-1589G>A (NM_001385888.1, NM_001385885.1, NM_001385887.1 and 1 more transcripts); c.-26-1589G>A (NM_001385915.1, NM_001174121.2); c.31+4466G>A (NM_001385919.1); short protein forms V82I, V14I.
Identifiers: ClinVar variation 130785 (VCV000130785.22), dbSNP rs17108378, ClinGen allele CA156065.

ClinVar aggregate classification (germline): Benign. Review status: criteria provided, multiple submitters, no conflicts (2 of 4 stars). 6 submissions from 6 submitters: Benign (5). 1 of the submissions does not count toward it. Last evaluated 2026-02-02.

Conditions:
Spastic paraplegia. Identifiers: MedGen C0037772, HP:0001258.
Hereditary spastic paraplegia 33. Also called: SPASTIC PARAPLEGIA 33, AUTOSOMAL DOMINANT. Identifiers: MedGen C1853251, MONDO:0012448, OMIM 610244.

Allele frequency attached by ClinVar (database versions not stated): gnomAD 0.02833 and 0.02962; TOPMed 0.03010; gnomAD exomes 0.03078 and 0.03206; ESP Exome Variant Server 0.03191; ExAC 0.03340; 1000 Genomes Project 0.03674; 1000 Genomes Project 30x 0.03732.
gnomAD v4.1: 49,569 of 1,614,168 alleles (3.1%); highest among the groups gnomAD compares: South Asian, 5.6%; 900 homozygotes.

Submissions (6):

Labcorp Genetics (formerly Invitae), Labcorp
Classification: Benign for Spastic paraplegia. Last evaluated: 2026-02-02. Review status: criteria provided, single submitter. Criteria: Invitae Variant Classification Sherloc (09022015). Collection method: clinical testing. Allele origin: germline.

Genome-Nilou Lab
Classification: Benign for Hereditary spastic paraplegia 33. Last evaluated: 2021-12-05. Review status: criteria provided, single submitter. Criteria: ACMG Guidelines, 2015. Collection method: clinical testing. Allele origin: germline. Affected: no.

Illumina Laboratory Services, Illumina
Classification: Benign for Hereditary spastic paraplegia 33. Last evaluated: 2018-01-12. Review status: criteria provided, single submitter. Criteria: ICSL Variant Classification Criteria 13 December 2019. Collection method: clinical testing. Allele origin: germline.
Comment: This variant was observed in the ICSL laboratory as part of a predisposition screen in an ostensibly healthy population. It had not been previously curated by ICSL or reported in the Human Gene Mutation Database (HGMD: prior to June 1st, 2018), and was therefore a candidate for classification through an automated scoring system. Utilizing variant allele frequency, disease prevalence and penetrance estimates, and inheritance mode, an automated score was calculated to assess if this variant is too frequent to cause the disease. Based on the score and internal cut-off values, a variant classified as benign is not then subjected to further curation. The score for this variant resulted in a classification of benign for this disease.

Mayo Clinic Laboratories, Mayo Clinic
Classification: Benign. Last evaluated: 2015-10-14. Review status: criteria provided, single submitter. Criteria: ACMG Guidelines, 2015. Collection method: clinical testing. Allele origin: germline. Observed: 29 variant alleles.

Breakthrough Genomics
Classification: Benign. Review status: criteria provided, single submitter. Criteria: ACMG Guidelines, 2015. Collection method: not provided. Allele origin: germline. Inheritance: Autosomal dominant inheritance. Affected: yes.

Genetic Services Laboratory, University of Chicago
Classification: Likely benign for AllHighlyPenetrant. Review status: no assertion criteria provided. Collection method: clinical testing. Allele origin: germline. Inheritance: Autosomal dominant inheritance. Not counted in ClinVar's aggregate classification.
Comment: Likely benign based on allele frequency in 1000 Genomes Project or ESP global frequency and its presence in a patient with a rare or unrelated disease phenotype. NOT Sanger confirmed.